The following is an entry in ClinVar:

NM_001385012.1(NBEA):c.3806del (p.Asp1269fs)

Gene: NBEA (neurobeachin; plus strand). Cytogenetic location: 13q13.3.
Variant type: Deletion.
Coding change: c.3806del on transcript NM_001385012.1 (MANE Select); coding-DNA position 3806, one base deleted (A; older notation c.3806delA).
Protein change: p.Asp1269fs; shifts the reading frame from aspartic acid 1269.
Molecular consequence: frameshift variant.
Genome position (GRCh38, 1-based): chr13:35,159,977, A deleted. VCF-style (leftmost placement, unchanged base first): chr13-35159976-GA-G. GRCh37 (hg19) VCF-style: chr13-35734113-GA-G.
Other names: c.3806del, p.Asp1269fs (NM_001379245.1, NM_015678.5); short protein forms D1269fs.
Identifiers: ClinVar variation 1805836 (VCV001805836.1), dbSNP rs2503640330, ClinGen allele CA1139532816.
Genomic context (GRCh38, chr13:35,159,976, plus strand): 5'-AGCAAAATTGTACCAAATATTGATGCAGGAAGTATAATTTCAGATACTGAAAGGTCTGAC[GA>G]TGGCAAAGAATCAGGAAAAGAAATCCGAAAAATCCAAACAACTACTACGACACAAGTAAG-3'

ClinVar aggregate classification (germline): Pathogenic (1 of 4 stars; one submission).

Conditions:
Neurodevelopmental disorder with or without early-onset generalized epilepsy. Identifiers: MedGen C5436914, MONDO:0030930, OMIM 619157.

Submission:

Victorian Clinical Genetics Services, Murdoch Childrens Research Institute
Classification: Pathogenic for Neurodevelopmental disorder with or without early-onset generalized epilepsy. Last evaluated: 2020-10-19. Review status: criteria provided, single submitter. Criteria: ACMG Guidelines, 2015. Collection method: clinical testing. Allele origin: germline. Inheritance: Autosomal dominant inheritance.
Comment: Based on the classification scheme VCGS_Germline_v1.3.3, this variant is classified as Pathogenic. Following criteria are met: 0102 - Loss of function is a known mechanism of disease in this gene and is associated with developmental disease with early generalized epilepsy (PMID: 30269351). (I) 0107 - This gene is associated with autosomal dominant disease. (I) 0201 - Variant is predicted to cause nonsense-mediated decay (NMD) and loss of protein (premature termination codon is located at least 54 nucleotides upstream of the final exon-exon junction). (SP) 0219 - This variant is non-coding in an alternative transcript. This transcript is much shorter (UCSC), and not predominantly used in ClinVar. (I) 0251 - This variant is heterozygous. (I) 0301 - Variant is absent from gnomAD (both v2 and v3). (SP) 0701 - Other NMD-predicted variants comparable to the one identified in this case have very strong previous evidence for pathogenicity. Over 10 patients have been reported with de novo NMD-predicted mutations, displaying a neurodevelopmental disorder (PMID: 30269351). (SP) 0807 - This variant has no previous evidence of pathogenicity. (I) 0905 - No published segregation evidence has been identified for this variant. (I) 1007 - No published functional evidence has been identified for this variant. (I) 1208 - Inheritance information for this variant is not currently available in this individual. (I) Legend: (SP) - Supporting pathogenic, (I) - Information, (SB) - Supporting benign

Literature cited by the submitters: PubMed 30269351.